The following is an entry in ClinVar:

ClinVar aggregate classification (germline): Pathogenic (1 of 4 stars; one submission).

Conditions:
Polycystic kidney disease 2 (PKD2). Also called: Polycystic Kidney Disease 2, Autosomal Dominant; POLYCYSTIC KIDNEY DISEASE, ADULT, TYPE II; POLYCYSTIC KIDNEY DISEASE 2 WITH OR WITHOUT POLYCYSTIC LIVER DISEASE. Identifiers: MedGen C2751306, MONDO:0013131, OMIM 613095.

Submission:

Women's Health and Genetics/Laboratory Corporation of America, LabCorp
Classification: Pathogenic for Polycystic kidney disease 2. Last evaluated: 2025-02-25. Review status: criteria provided, single submitter. Criteria: LabCorp Variant Classification Summary - May 2015. Collection method: clinical testing. Allele origin: germline.
Comment: Variant summary: PKD2 c.777delC (p.Asp259GlufsX58) results in a premature termination codon, predicted to cause a truncation of the encoded protein or absence of the protein due to nonsense mediated decay, which are commonly known mechanisms for disease. The variant was absent in 251066 control chromosomes. To our knowledge, no occurrence of c.777delC in individuals affected with Polycystic Kidney Disease 2 and no experimental evidence demonstrating its impact on protein function have been reported. No submitters have cited clinical-significance assessments for this variant to ClinVar. Based on the evidence outlined above, the variant was classified as pathogenic.

NM_000297.4(PKD2):c.777del (p.Asp259fs)

Gene: PKD2 (polycystin 2, transient receptor potential cation channel; plus strand). Cytogenetic location: 4q22.1.
Variant type: Deletion.
Coding change: c.777del on transcript NM_000297.4 (MANE Select); coding-DNA position 777, one base deleted (C; older notation c.777delC).
Protein change: p.Asp259fs; shifts the reading frame from aspartic acid 259.
Molecular consequence: frameshift variant. On other transcripts: non-coding transcript variant (1).
Genome position (GRCh38, 1-based): chr4:88,036,287, C deleted. VCF-style (leftmost placement, unchanged base first): chr4-88036286-AC-A. GRCh37 (hg19) VCF-style: chr4-88957438-AC-A.
Other names: c.777delC (NM_000297.4); short protein forms D259fs.
Identifiers: ClinVar variation 3768833 (VCV003768833.1).
Genomic context (GRCh38, chr4:88,036,286, plus strand): 5'-ACGGCATGATGAGCTCCAATGTGTACTACTACACCCGGATGATGTCACAGCTCTTCCTAG[AC>A]ACCCCCGTGTCCAAAACGGAGAAAACTAACTTTAAAACTCTGTCTTCCATGGAAGACTTC-3'